The following is an entry in ClinVar:

ClinVar aggregate classification (germline): Uncertain significance. Review status: criteria provided, multiple submitters, no conflicts (2 of 4 stars). 4 submissions from 4 submitters: Uncertain significance (4). Last evaluated 2025-12-08.

Conditions:
Cardiomyopathy (CMYO). Also called: Cardiomyopathies. Identifiers: Orphanet 167848, MedGen C0878544, MONDO:0004994, HP:0001638. Inheritance: Various modes of inheritance.
Cardiovascular phenotype. Identifiers: MedGen CN230736.
Hypertrophic cardiomyopathy. Also called: HYPERTROPHIC MYOCARDIOPATHY. Identifiers: Orphanet 217569, MedGen C0007194, MeSH D002312, MONDO:0005045, HP:0001639.

Allele frequency attached by ClinVar (database versions not stated): gnomAD exomes below 0.00001; gnomAD 0.00001; TOPMed 0.00003; ESP Exome Variant Server 0.00008.
gnomAD v4.1: 2 of 1,610,228 alleles (0.00012%); highest among the groups gnomAD compares: African/African-American, 0.0013%; no homozygotes.

Submissions (4):

Labcorp Genetics (formerly Invitae), Labcorp
Classification: Uncertain significance for Hypertrophic cardiomyopathy. Last evaluated: 2025-12-08. Review status: criteria provided, single submitter. Criteria: Invitae Variant Classification Sherloc (09022015). Collection method: clinical testing. Allele origin: germline.
Comment: This sequence change replaces proline, which is neutral and non-polar, with leucine, which is neutral and non-polar, at codon 1273 of the MYBPC3 protein (p.Pro1273Leu). This variant is present in population databases (rs369184972, gnomAD 0.0009%). This variant has not been reported in the literature in individuals affected with MYBPC3-related conditions. ClinVar contains an entry for this variant (Variation ID: 524947). An algorithm developed to predict the effect of missense changes on protein structure and function (PolyPhen-2) suggests that this variant is likely to be disruptive. In summary, the available evidence is currently insufficient to determine the role of this variant in disease. Therefore, it has been classified as a Variant of Uncertain Significance.

All of Us Research Program, National Institutes of Health
Classification: Uncertain significance for Hypertrophic cardiomyopathy. Last evaluated: 2024-08-23. Review status: criteria provided, single submitter. Criteria: ACMG Guidelines, 2015. Collection method: clinical testing. Allele origin: germline. Inheritance: Autosomal dominant inheritance. Observed: 3 variant alleles, 3 heterozygotes.
Comment: This missense variant replaces proline with leucine at codon 1273 of the MYBPC3 protein. Computational prediction is inconclusive regarding the impact of this variant on protein structure and function (internally defined REVEL score threshold 0.5 < inconclusive < 0.7, PMID: 27666373). To our knowledge, functional studies have not been reported for this variant. This variant has not been reported in individuals affected with cardiovascular disorders in the literature. This variant has been identified in 1/242510 chromosomes in the general population by the Genome Aggregation Database (gnomAD). The available evidence is insufficient to determine the role of this variant in disease conclusively. Therefore, this variant is classified as a Variant of Uncertain Significance.

This study involves interpretation of variants in research participants for the purpose of population health screening. Participant phenotype was not available at the time of variant classification. Additional details can be found in publication PMID: 35346344, PMCID: PMC8962531

Color Diagnostics, LLC DBA Color Health
Classification: Uncertain significance for Cardiomyopathy. Last evaluated: 2024-08-07. Review status: criteria provided, single submitter. Criteria: ACMG Guidelines, 2015. Collection method: clinical testing. Allele origin: germline.
Comment: This missense variant replaces proline with leucine at codon 1273 of the MYBPC3 protein. Computational prediction tools indicate that this variant has a deleterious impact on protein structure and function. To our knowledge, functional studies have not been reported for this variant. This variant has not been reported in individuals affected with MYBPC3-related disorders in the literature. This variant has been identified in 1/242510 chromosomes in the general population by the Genome Aggregation Database (gnomAD). The available evidence is insufficient to determine the role of this variant in disease conclusively. Therefore, this variant is classified as a Variant of Uncertain Significance.

Ambry Genetics
Classification: Uncertain significance for Cardiovascular phenotype. Last evaluated: 2021-04-19. Review status: criteria provided, single submitter. Criteria: Ambry Variant Classification Scheme 2023. Collection method: clinical testing. Allele origin: germline.
Comment: The p.P1273L variant (also known as c.3818C>T), located in coding exon 34 of the MYBPC3 gene, results from a C to T substitution at nucleotide position 3818. The proline at codon 1273 is replaced by leucine, an amino acid with similar properties. This alteration has been reported in the Jackson Heart Study cohort; however, clinical details were limited (Bick AG et al. Am J Hum Genet, 2012 Sep;91:513-9). This amino acid position is highly conserved in available vertebrate species. In addition, the in silico prediction for this alteration is inconclusive. Since supporting evidence is limited at this time, the clinical significance of this alteration remains unclear.

Literature cited by the submitters: PubMed 22958901 (cited by Ambry Genetics).

NM_000256.3(MYBPC3):c.3818C>T (p.Pro1273Leu)

Gene: MYBPC3 (myosin binding protein C3; minus strand). Cytogenetic location: 11p11.2.
Variant type: single nucleotide variant.
Coding change: c.3818C>T on transcript NM_000256.3 (MANE Select); coding-DNA position 3818, C replaced by T.
Protein change: p.Pro1273Leu; replaces proline 1273 with leucine.
Molecular consequence: missense variant.
Genome position (GRCh38, 1-based): chr11:47,331,878, G>A on the plus strand (C>T on the coding strand, the complement: MYBPC3 is on the minus strand). VCF-style: chr11-47331878-G-A. GRCh37 (hg19) VCF-style: chr11-47353429-G-A.
Other names: c.3818C>T, p.Pro1273Leu (LRG_386t1); short protein forms P1273L.
Identifiers: ClinVar variation 524947 (VCV000524947.14), dbSNP rs369184972, ClinGen allele CA221679622.